The following is an entry in ClinVar:

ClinVar aggregate classification (germline): Conflicting classifications of pathogenicity. Review status: criteria provided, conflicting classifications (1 of 4 stars). 7 submissions from 7 submitters: Uncertain significance (5); Likely benign (1). 1 of the submissions does not count toward it. Last evaluated 2025-12-30.

Conditions:
NPHP1-related disorder. Also called: NPHP1-related condition; NPHP1-related disorders.
Inborn genetic diseases. Identifiers: MedGen C0950123, MeSH D030342.
Nephronophthisis. Also called: Juvenile Nephronophthisis. Identifiers: Orphanet 655, MedGen C0687120, MONDO:0019005, HP:0000090.

Allele frequency attached by ClinVar (database versions not stated): gnomAD exomes 0.00004 and 0.00013; ExAC 0.00015; ESP Exome Variant Server 0.00038; gnomAD 0.00046 and 0.00049; TOPMed 0.00052; 1000 Genomes Project 0.00100; 1000 Genomes Project 30x 0.00109.
gnomAD v4.1: 136 of 1,586,238 alleles (0.0086%); highest among the groups gnomAD compares: African/African-American, 0.17%; 1 homozygote.

Submissions (7):

Labcorp Genetics (formerly Invitae), Labcorp
Classification: Uncertain significance for Nephronophthisis. Last evaluated: 2025-12-30. Review status: criteria provided, single submitter. Criteria: Invitae Variant Classification Sherloc (09022015). Collection method: clinical testing. Allele origin: germline.
Comment: This sequence change replaces glycine, which is neutral and non-polar, with glutamic acid, which is acidic and polar, at codon 302 of the NPHP1 protein (p.Gly302Glu). This variant is present in population databases (rs140151060, gnomAD 0.2%). This variant has not been reported in the literature in individuals affected with NPHP1-related conditions. ClinVar contains an entry for this variant (Variation ID: 198704). Invitae Evidence Modeling of protein sequence and biophysical properties (such as structural, functional, and spatial information, amino acid conservation, physicochemical variation, residue mobility, and thermodynamic stability) indicates that this missense variant is not expected to disrupt NPHP1 protein function with a negative predictive value of 80%. In summary, the available evidence is currently insufficient to determine the role of this variant in disease. Therefore, it has been classified as a Variant of Uncertain Significance.

Blueprint Genetics
Classification: Uncertain significance. Last evaluated: 2024-07-15. Review status: criteria provided, single submitter. Criteria: ACMG Guidelines, 2015. Collection method: clinical testing. Allele origin: germline.

GeneDx
Classification: Uncertain significance. Last evaluated: 2023-08-17. Review status: criteria provided, single submitter. Criteria: GeneDx Variant Classification Process June 2021. Collection method: clinical testing. Allele origin: germline. Affected: yes.
Comment: In silico analysis supports that this missense variant does not alter protein structure/function; Has not been previously published as pathogenic or benign to our knowledge

Women's Health and Genetics/Laboratory Corporation of America, LabCorp
Classification: Uncertain significance. Last evaluated: 2022-05-19. Review status: criteria provided, single submitter. Criteria: LabCorp Variant Classification Summary - May 2015. Collection method: clinical testing. Allele origin: germline.

Ambry Genetics
Classification: Likely benign for Inborn genetic diseases. Last evaluated: 2022-04-22. Review status: criteria provided, single submitter. Criteria: Ambry Variant Classification Scheme 2023. Collection method: clinical testing. Allele origin: germline.

Eurofins Ntd Llc (ga)
Classification: Uncertain significance. Last evaluated: 2018-03-19. Review status: criteria provided, single submitter. Criteria: EGL ClinVar v180209 classification definitions. Collection method: clinical testing. Allele origin: germline. Observed: 5 variant alleles, 5 heterozygotes.

PreventionGenetics, part of Exact Sciences
Classification: Likely benign for NPHP1-related condition. Last evaluated: 2022-02-16. Review status: no assertion criteria provided. Collection method: clinical testing. Allele origin: germline. Not counted in ClinVar's aggregate classification.
Comment: This variant is classified as likely benign based on ACMG/AMP sequence variant interpretation guidelines (Richards et al. 2015 PMID: 25741868, with internal and published modifications).

NM_001128178.3(NPHP1):c.771+134G>A

Gene: NPHP1 (nephrocystin 1; minus strand). Cytogenetic location: 2q13.
Variant type: single nucleotide variant.
Coding change: c.771+134G>A on transcript NM_001128178.3 (MANE Select); 134 bases into the intron after coding-DNA position 771, G replaced by A.
Molecular consequence: intron variant. On other transcripts: missense variant (2).
Genome position (GRCh38, 1-based): chr2:110,164,554, C>T on the plus strand (G>A on the coding strand, the complement: NPHP1 is on the minus strand). VCF-style: chr2-110164554-C-T. GRCh37 (hg19) VCF-style: chr2-110922131-C-T.
Other names: c.905G>A, p.Gly302Glu (NM_000272.5, NM_207181.4); c.585+134G>A (NM_001128179.3); c.771+134G>A (NM_001374256.1, NM_001374257.1); short protein forms G302E.
Identifiers: ClinVar variation 198704 (VCV000198704.19), dbSNP rs140151060, ClinGen allele CA247505.